The following is an entry in ClinVar:

NM_004991.4(MECOM):c.1100A>G (p.Lys367Arg)

Gene: MECOM (MDS1 and EVI1 complex locus; minus strand). Cytogenetic location: 3q26.2.
Variant type: single nucleotide variant.
Coding change: c.1100A>G on transcript NM_004991.4 (MANE Select); coding-DNA position 1100, A replaced by G.
Protein change: p.Lys367Arg; replaces lysine 367 with arginine.
Molecular consequence: missense variant.
Genome position (GRCh38, 1-based): chr3:169,121,088, T>C on the plus strand (A>G on the coding strand, the complement: MECOM is on the minus strand). VCF-style: chr3-169121088-T-C. GRCh37 (hg19) VCF-style: chr3-168838876-T-C.
Other names: c.731A>G, p.Lys244Arg (NM_001105077.4); c.536A>G, p.Lys179Arg (NM_001105078.4, NM_001164000.2, NM_001205194.2 and 5 more transcripts); c.539A>G, p.Lys180Arg (NM_001163999.2, NM_001366467.2, NM_001366468.2 and 1 more transcripts); c.1100A>G, p.Lys367Arg (NM_001366466.2, NM_001366473.2); short protein forms K179R, K244R, K367R, K180R.
Identifiers: ClinVar variation 4053156 (VCV004053156.1).
Genomic context (GRCh38, chr3:169,121,088, plus strand): 5'-AAGGAGGGCTGGAGTGTTGAAAACTTACAGATAAAGGGCTTCACACTGCTGTGGATGTGC[T>C]TGTGTTGTTTGAGGCCCGACGAAGTGGCAAACGTTTTGCCACACTCCGGGCATGCATGGG-3'
Protein context (NP_004982.2, residues 357-377): FATSSGLKQH[Lys367Arg]HIHSSVKPFI

ClinVar aggregate classification (germline): Uncertain significance (1 of 4 stars; one submission).

Conditions:
Inborn genetic diseases. Identifiers: MedGen C0950123, MeSH D030342.

gnomAD v4.1: 1 of 1,613,450 alleles (0.000062%); highest among the groups gnomAD compares: Non-Finnish European, 0.000085%; no homozygotes.

Submission:

Ambry Genetics
Classification: Uncertain significance for Inborn genetic diseases. Last evaluated: 2025-04-07. Review status: criteria provided, single submitter. Criteria: Ambry Variant Classification Scheme 2023. Collection method: clinical testing. Allele origin: germline.
Comment: The p.K367R variant (also known as c.1100A>G), located in coding exon 7 of the MECOM gene, results from an A to G substitution at nucleotide position 1100. The lysine at codon 367 is replaced by arginine, an amino acid with highly similar properties. This amino acid position is conserved. In addition, the in silico prediction for this alteration is inconclusive. Based on the available evidence, the clinical significance of this variant remains unclear.